The following is an entry in ClinVar:

NM_000304.4(PMP22):c.74T>G (p.Val25Gly)

Gene: PMP22 (peripheral myelin protein 22; minus strand). Cytogenetic location: 17p12.
Variant type: single nucleotide variant.
Coding change: c.74T>G on transcript NM_000304.4 (MANE Select); coding-DNA position 74, T replaced by G.
Protein change: p.Val25Gly; replaces valine 25 with glycine.
Molecular consequence: missense variant.
Genome position (GRCh38, 1-based): chr17:15,260,654, A>C on the plus strand (T>G on the coding strand, the complement: PMP22 is on the minus strand). VCF-style: chr17-15260654-A-C. GRCh37 (hg19) VCF-style: chr17-15163971-A-C.
Other names: p.Val25Gly; c.74T>G, p.Val25Gly (NM_001281455.2, NM_001281456.2, NM_001330143.2 and 2 more transcripts); short protein forms V25G.
Identifiers: ClinVar variation 889626 (VCV000889626.15), dbSNP rs765741053, ClinGen allele CA8403451.

ClinVar aggregate classification (germline): Uncertain significance. Review status: criteria provided, multiple submitters, no conflicts (2 of 4 stars). 4 submissions from 3 submitters: Uncertain significance (4). Last evaluated 2025-12-17.

Conditions:
Charcot-Marie-Tooth disease, type I (CMT1). Also called: Charcot-Marie-Tooth, Type 1; Charcot-Marie-Tooth disease type 1. Identifiers: Orphanet 65753, MedGen C0751036, MONDO:0019011.
Hereditary liability to pressure palsies (HNPP). Also called: POLYNEUROPATHY, FAMILIAL RECURRENT; TOMACULOUS NEUROPATHY; Hereditary Neuropathy with Liability to Pressure Palsies. Identifiers: Orphanet 640, MedGen C0393814, MONDO:0008087, OMIM 162500.

Allele frequency attached by ClinVar (database versions not stated): gnomAD exomes 0.00001; ExAC 0.00005.
gnomAD v4.1: 16 of 1,551,986 alleles (0.001%); highest among the groups gnomAD compares: Non-Finnish European, 0.0014%; no homozygotes.

Submissions (4):

Labcorp Genetics (formerly Invitae), Labcorp
Classification: Uncertain significance for Charcot-Marie-Tooth disease, type I. Last evaluated: 2025-12-17. Review status: criteria provided, single submitter. Criteria: Invitae Variant Classification Sherloc (09022015). Collection method: clinical testing. Allele origin: germline.
Comment: This sequence change replaces valine, which is neutral and non-polar, with glycine, which is neutral and non-polar, at codon 25 of the PMP22 protein (p.Val25Gly). This variant is present in population databases (rs765741053, gnomAD 0.002%). This variant has not been reported in the literature in individuals affected with PMP22-related conditions. ClinVar contains an entry for this variant (Variation ID: 889626). An algorithm developed to predict the effect of missense changes on protein structure and function (PolyPhen-2) suggests that this variant is likely to be disruptive. In summary, the available evidence is currently insufficient to determine the role of this variant in disease. Therefore, it has been classified as a Variant of Uncertain Significance.

Mayo Clinic Laboratories, Mayo Clinic
Classification: Uncertain significance. Last evaluated: 2021-12-03. Review status: criteria provided, single submitter. Criteria: ACMG Guidelines, 2015. Collection method: clinical testing. Allele origin: germline.

Illumina Laboratory Services, Illumina
Classification: Uncertain significance for Hereditary liability to pressure palsies. Last evaluated: 2017-04-27. Review status: criteria provided, single submitter. Criteria: ICSL Variant Classification Criteria 13 December 2019. Collection method: clinical testing. Allele origin: germline.

Illumina Laboratory Services, Illumina
Classification: Uncertain significance for Charcot-Marie-Tooth disease, type I. Last evaluated: 2017-04-27. Review status: criteria provided, single submitter. Criteria: ICSL Variant Classification Criteria 13 December 2019. Collection method: clinical testing. Allele origin: germline.